The following is an entry in ClinVar:

ClinVar aggregate classification (germline): Uncertain significance (1 of 4 stars; one submission).

Conditions:
Melanoma, cutaneous malignant, susceptibility to, 5. Also called: Cutaneous malignant melanoma 5. Identifiers: Orphanet 618, MedGen C2751295, MONDO:0013133, OMIM 613099.

gnomAD v4.1: 22 of 1,613,608 alleles (0.0014%); highest among the groups gnomAD compares: African/African-American, 0.028%; no homozygotes.

Submission:

Labcorp Genetics (formerly Invitae), Labcorp
Classification: Uncertain significance for Melanoma, cutaneous malignant, susceptibility to, 5. Last evaluated: 2026-01-04. Review status: criteria provided, single submitter. Criteria: Invitae Variant Classification Sherloc (09022015). Collection method: clinical testing. Allele origin: germline.
Comment: This sequence change replaces glycine, which is neutral and non-polar, with arginine, which is basic and polar, at codon 255 of the MC1R protein (p.Gly255Arg). This variant is present in population databases (rs371214731, gnomAD 0.03%). This variant has not been reported in the literature in individuals affected with MC1R-related conditions. Invitae Evidence Modeling of protein sequence and biophysical properties (such as structural, functional, and spatial information, amino acid conservation, physicochemical variation, residue mobility, and thermodynamic stability) indicates that this missense variant is expected to disrupt MC1R protein function with a positive predictive value of 80%. In summary, the available evidence is currently insufficient to determine the role of this variant in disease. Therefore, it has been classified as a Variant of Uncertain Significance.

NM_002386.4(MC1R):c.763G>C (p.Gly255Arg)

Gene: MC1R (melanocortin 1 receptor; plus strand). Cytogenetic location: 16q24.3.
Variant type: single nucleotide variant.
Coding change: c.763G>C on transcript NM_002386.4 (MANE Select); coding-DNA position 763, G replaced by C.
Protein change: p.Gly255Arg; replaces glycine 255 with arginine.
Molecular consequence: missense variant.
Genome position (GRCh38, 1-based): chr16:89,920,021, G>C. VCF-style: chr16-89920021-G-C. GRCh37 (hg19) VCF-style: chr16-89986429-G-C.
Other names: short protein forms G255R.
Identifiers: ClinVar variation 4753918 (VCV004753918.1).